The following is an entry in ClinVar:

NM_018896.5(CACNA1G):c.606G>A (p.Thr202=)

Gene: CACNA1G (calcium voltage-gated channel subunit alpha1 G; plus strand). Cytogenetic location: 17q21.33.
Variant type: single nucleotide variant.
Coding change: c.606G>A on transcript NM_018896.5 (MANE Select); coding-DNA position 606, G replaced by A.
Protein change: p.Thr202=; no amino-acid change (threonine 202 retained).
Molecular consequence: synonymous variant. On other transcripts: non-coding transcript variant (5).
Genome position (GRCh38, 1-based): chr17:50,571,897, G>A. VCF-style: chr17-50571897-G-A. GRCh37 (hg19) VCF-style: chr17-48649258-G-A.
Other names: c.606G>A, p.Thr202= (NM_001256324.2, NM_001256325.2, NM_001256326.2 and 24 more transcripts).
Identifiers: ClinVar variation 2647897 (VCV002647897.28), dbSNP rs757652858, ClinGen allele CA8651991.
Genomic context (GRCh38, chr17:50,571,897, plus strand): 5'-CGGCCAGCCTGGTGTCCCCAGCGTGGCTTCTGCCCCCACAGGCATGCGCATCCTTGTCAC[G>A]TTGCTGCTGGATACGCTGCCCATGCTGGGCAACGTCCTGCTGCTCTGCTTCTTCGTCTTC-3'
Protein context (NP_061496.2, residues 192-212): NRVPSMRILV[Thr202=]LLLDTLPMLG

ClinVar aggregate classification (germline): Benign/Likely benign. Review status: criteria provided, multiple submitters, no conflicts (2 of 4 stars). 3 submissions from 3 submitters: Benign (1); Likely benign (2). Last evaluated 2023-12-21.

Allele frequency attached by ClinVar (database versions not stated): gnomAD 0.00001; TOPMed 0.00001; ExAC 0.00002; gnomAD exomes 0.00004.
gnomAD v4.1: 62 of 1,613,732 alleles (0.0038%); highest among the groups gnomAD compares: Non-Finnish European, 0.004%; no homozygotes.

Submissions (3):

Labcorp Genetics (formerly Invitae), Labcorp
Classification: Likely benign. Last evaluated: 2023-12-21. Review status: criteria provided, single submitter. Criteria: Invitae Variant Classification Sherloc (09022015). Collection method: clinical testing. Allele origin: germline.

CeGaT Center for Human Genetics Tuebingen
Classification: Likely benign. Last evaluated: 2022-03-01. Review status: criteria provided, single submitter. Criteria: CeGaT Center For Human Genetics Tuebingen Variant Classification Criteria Version 2. Collection method: clinical testing. Allele origin: germline. Affected: yes. Observed: 1 variant allele.
Comment: CACNA1G: BP4, BP7

Blueprint Genetics
Classification: Benign. Last evaluated: 2021-12-20. Review status: criteria provided, single submitter. Criteria: ACMG Guidelines, 2015. Collection method: clinical testing. Allele origin: germline.